The following is an entry in ClinVar:

ClinVar aggregate classification (germline): Pathogenic (1 of 4 stars; one submission).

Conditions:
Neurofibromatosis, type 1 (NF1). Also called: VON RECKLINGHAUSEN DISEASE; Peripheral type neurofibromatosis; NEUROFIBROMATOSIS, TYPE I, SOMATIC; Neurofibromatosis, type I. Identifiers: Orphanet 636, MedGen C0027831, MONDO:0018975, OMIM 162200. Disease mechanism: loss of function.

Submission:

Labcorp Genetics (formerly Invitae), Labcorp
Classification: Pathogenic for Neurofibromatosis, type 1. Last evaluated: 2025-06-20. Review status: criteria provided, single submitter. Criteria: Invitae Variant Classification Sherloc (09022015). Collection method: clinical testing. Allele origin: germline.
Comment: This sequence change creates a premature translational stop signal (p.Tyr1169*) in the NF1 gene. It is expected to result in an absent or disrupted protein product. Loss-of-function variants in NF1 are known to be pathogenic (PMID: 10712197, 23913538). This variant is not present in population databases (gnomAD no frequency). This premature translational stop signal has been observed in individual(s) with clinical features of neurofibromatosis, type 1 (PMID: 18546366, 21512413). Algorithms developed to predict the effect of sequence changes on RNA splicing suggest that this variant may disrupt the consensus splice site. For these reasons, this variant has been classified as Pathogenic.

Literature cited by the submitters: PubMed 10712197; PubMed 23913538; PubMed 18546366; PubMed 21512413.

NM_001042492.3(NF1):c.3507_3512del (p.Tyr1169_Lys1171delinsTer)

Gene: NF1 (neurofibromin 1; plus strand). Cytogenetic location: 17q11.2.
Variant type: Deletion.
Coding change: c.3507_3512del on transcript NM_001042492.3 (MANE Select); coding-DNA positions 3507 to 3512, 6 bases deleted (CCACAA; older notation c.3507_3512delCCACAA).
Protein change: p.Tyr1169_Lys1171delinsTer.
Molecular consequence: nonsense.
Genome position (GRCh38, 1-based): chr17:31,233,012-31,233,017, CCACAA deleted; deleting any 6 consecutive bases within chr17:31,233,011-31,233,017 gives the same sequence; the c. name uses the placement nearest the transcript's 3' end. VCF-style (leftmost placement, unchanged base first): chr17-31233010-TACCACA-T. GRCh37 (hg19) VCF-style: chr17-29560028-TACCACA-T.
Other names: c.3507_3512del, p.Tyr1169_Lys1171delinsTer (NM_000267.4).
Identifiers: ClinVar variation 4714347 (VCV004714347.1).